The following is an entry in ClinVar:

ClinVar aggregate classification (germline): Uncertain significance (1 of 4 stars; one submission).

Submission:

Labcorp Genetics (formerly Invitae), Labcorp
Classification: Uncertain significance. Last evaluated: 2022-06-20. Review status: criteria provided, single submitter. Criteria: Invitae Variant Classification Sherloc (09022015). Collection method: clinical testing. Allele origin: germline.
Comment: This sequence change replaces aspartic acid, which is acidic and polar, with glutamic acid, which is acidic and polar, at codon 1304 of the ZNF335 protein (p.Asp1304Glu). This variant is not present in population databases (gnomAD no frequency). This variant has not been reported in the literature in individuals affected with ZNF335-related conditions. Algorithms developed to predict the effect of missense changes on protein structure and function (SIFT, PolyPhen-2, Align-GVGD) all suggest that this variant is likely to be disruptive. In summary, the available evidence is currently insufficient to determine the role of this variant in disease. Therefore, it has been classified as a Variant of Uncertain Significance.

NM_022095.4(ZNF335):c.3912T>A (p.Asp1304Glu)

Gene: ZNF335 (zinc finger protein 335; minus strand). Cytogenetic location: 20q13.12.
Variant type: single nucleotide variant.
Coding change: c.3912T>A on transcript NM_022095.4 (MANE Select); coding-DNA position 3912, T replaced by A.
Protein change: p.Asp1304Glu; replaces aspartic acid 1304 with glutamic acid.
Molecular consequence: missense variant.
Genome position (GRCh38, 1-based): chr20:45,949,070, A>T on the plus strand (T>A on the coding strand, the complement: ZNF335 is on the minus strand). VCF-style: chr20-45949070-A-T. GRCh37 (hg19) VCF-style: chr20-44577709-A-T.
Other names: short protein forms D1304E.
Identifiers: ClinVar variation 2008667 (VCV002008667.1), dbSNP rs1466554079, ClinGen allele CA409232954.